The following is an entry in ClinVar:

NM_199242.3(UNC13D):c.1681A>G (p.Ile561Val)

Gene: UNC13D (unc-13 homolog D; minus strand). Cytogenetic location: 17q25.1.
Variant type: single nucleotide variant.
Coding change: c.1681A>G on transcript NM_199242.3 (MANE Select); coding-DNA position 1681, A replaced by G.
Protein change: p.Ile561Val; replaces isoleucine 561 with valine.
Molecular consequence: missense variant.
Genome position (GRCh38, 1-based): chr17:75,835,693, T>C on the plus strand (A>G on the coding strand, the complement: UNC13D is on the minus strand). VCF-style: chr17-75835693-T-C. GRCh37 (hg19) VCF-style: chr17-73831774-T-C.
Other names: short protein forms I561V.
Identifiers: ClinVar variation 1932239 (VCV001932239.2), dbSNP rs1053541986, ClinGen allele CA294086809.

ClinVar aggregate classification (germline): Uncertain significance (1 of 4 stars; one submission).

Conditions:
Familial hemophagocytic lymphohistiocytosis 3 (FHL3). Also called: UNC13D-Related Familial Hemophagocytic Lymphohistiocytosis (UNC13D-fHLH). Identifiers: Orphanet 540, MedGen C1837174, MONDO:0012146, OMIM 608898.

Allele frequency attached by ClinVar (database versions not stated): gnomAD 0.00001; gnomAD exomes 0.00001; TOPMed below 0.00001.

Submission:

Labcorp Genetics (formerly Invitae), Labcorp
Classification: Uncertain significance for Familial hemophagocytic lymphohistiocytosis 3. Last evaluated: 2022-08-21. Review status: criteria provided, single submitter. Criteria: Invitae Variant Classification Sherloc (09022015). Collection method: clinical testing. Allele origin: germline.
Comment: This sequence change replaces isoleucine, which is neutral and non-polar, with valine, which is neutral and non-polar, at codon 561 of the UNC13D protein (p.Ile561Val). This variant is present in population databases (no rsID available, gnomAD 0.003%). This variant has not been reported in the literature in individuals affected with UNC13D-related conditions. Algorithms developed to predict the effect of missense changes on protein structure and function output the following: SIFT: "Not Available"; PolyPhen-2: "Benign"; Align-GVGD: "Not Available". The valine amino acid residue is found in multiple mammalian species, which suggests that this missense change does not adversely affect protein function. In summary, the available evidence is currently insufficient to determine the role of this variant in disease. Therefore, it has been classified as a Variant of Uncertain Significance.